The following is an entry in ClinVar:

ClinVar aggregate classification (germline): Uncertain significance. Review status: criteria provided, multiple submitters, no conflicts (2 of 4 stars). 6 submissions from 6 submitters: Uncertain significance (6). Last evaluated 2026-01-11.

Conditions:
Paramyotonia congenita of Von Eulenburg. Also called: PARALYSIS PERIODICA PARAMYOTONICA; Paramyotonia Congenita; Eulenburg disease; Myotonia congenita intermittens; Von Eulenburg paramyotonia congenita. Identifiers: Orphanet 684, MedGen C0221055, MONDO:0008195, OMIM 168300. Disease mechanism: loss of function.
Hypokalemic periodic paralysis, type 2 (HOKPP2). Identifiers: Orphanet 681, MedGen C2750061, MONDO:0013234, OMIM 613345.
Potassium-aggravated myotonia. Also called: MYOTONIA CONGENITA, ACETAZOLAMIDE-RESPONSIVE; MYOTONIA CONGENITA, ATYPICAL; Myotonia congenita, atypical, acetazolamide-responsive; SODIUM CHANNEL MUSCLE DISEASE. Identifiers: Orphanet 612, Orphanet 99734, Orphanet 99735, Orphanet 99736, MedGen C2931826, MONDO:0018959, OMIM 608390.
Congenital myasthenic syndrome 16. Identifiers: Orphanet 590, MedGen C3280112, MONDO:0013620, OMIM 614198.
Hyperkalemic periodic paralysis. Also called: Familial hyperkalemic periodic paralysis; Gamstorp disease. Identifiers: Orphanet 682, MedGen C0238357, MONDO:0008224, OMIM 170500, HP:0007215.
Congenital myopathy 22A, classic (CMYO22A). Identifiers: MedGen C5830453, MONDO:0957247, OMIM 620351.
Congenital myopathy 22B, severe fetal (CMYO22B). Identifiers: MedGen C5830501, MONDO:0957265, OMIM 620369.
Inborn genetic diseases. Identifiers: MedGen C0950123, MeSH D030342.
SCN4A-related disorder. Also called: SCN4A-related disorders.

Allele frequency attached by ClinVar (database versions not stated): ExAC 0.00002; TOPMed 0.00005; 1000 Genomes Project 0.00020; gnomAD exomes 0.00003 and 0.00015; gnomAD 0.00005; 1000 Genomes Project 30x 0.00016.
gnomAD v4.1: 220 of 1,613,786 alleles (0.014%); highest among the groups gnomAD compares: Non-Finnish European, 0.018%; no homozygotes.

Submissions (6):

Labcorp Genetics (formerly Invitae), Labcorp
Classification: Uncertain significance for Hyperkalemic periodic paralysis. Last evaluated: 2026-01-11. Review status: criteria provided, single submitter. Criteria: Invitae Variant Classification Sherloc (09022015). Collection method: clinical testing. Allele origin: germline.
Comment: This sequence change replaces lysine, which is basic and polar, with glutamine, which is neutral and polar, at codon 888 of the SCN4A protein (p.Lys888Gln). This variant is present in population databases (rs202155883, gnomAD 0.005%). This variant has not been reported in the literature in individuals affected with SCN4A-related conditions. ClinVar contains an entry for this variant (Variation ID: 477407). Invitae Evidence Modeling of protein sequence and biophysical properties (such as structural, functional, and spatial information, amino acid conservation, physicochemical variation, residue mobility, and thermodynamic stability) indicates that this missense variant is not expected to disrupt SCN4A protein function with a negative predictive value of 95%. In summary, the available evidence is currently insufficient to determine the role of this variant in disease. Therefore, it has been classified as a Variant of Uncertain Significance.

PreventionGenetics, part of Exact Sciences
Classification: Uncertain significance for SCN4A-related condition. Last evaluated: 2025-08-27. Review status: criteria provided, single submitter. Criteria: ACMG Guidelines, 2015. Collection method: clinical testing. Allele origin: germline.
Comment: The SCN4A c.2662A>C variant is predicted to result in the amino acid substitution p.Lys888Gln. To our knowledge, this variant has not been reported in the literature. This variant is reported in 0.0047% of alleles in individuals of European (non-Finnish) descent in gnomAD. At this time, the clinical significance of this variant is uncertain due to the absence of conclusive functional and genetic evidence.

Athena Diagnostics
Classification: Uncertain significance. Last evaluated: 2025-04-04. Review status: criteria provided, single submitter. Criteria: Athena Diagnostics Criteria. Collection method: clinical testing. Allele origin: unknown.
Comment: Available data are insufficient to determine the clinical significance of the variant at this time. The frequency of this variant in the general population is uninformative in assessment of its pathogenicity. Polyphen and MutationTaster predict this amino acid change may be benign.

Fulgent Genetics
Classification: Uncertain significance for Paramyotonia congenita of Von Eulenburg; Hyperkalemic periodic paralysis; Potassium-aggravated myotonia; Hypokalemic periodic paralysis, type 2; Congenital myasthenic syndrome 16; Congenital myopathy 22A, classic; Congenital myopathy 22B, severe fetal. Last evaluated: 2024-05-09. Review status: criteria provided, single submitter. Criteria: ACMG Guidelines, 2015. Collection method: clinical testing. Allele origin: germline.

Ambry Genetics
Classification: Uncertain significance for Inborn genetic diseases. Last evaluated: 2023-12-12. Review status: criteria provided, single submitter. Criteria: Ambry Variant Classification Scheme 2023. Collection method: clinical testing. Allele origin: germline.

Revvity Omics, Revvity
Classification: Uncertain significance. Last evaluated: 2022-09-08. Review status: criteria provided, single submitter. Criteria: ACMG Guidelines, 2015. Collection method: clinical testing. Allele origin: germline.

NM_000334.4(SCN4A):c.2662A>C (p.Lys888Gln)

Genes: GH-LCR (growth hormone locus control region; plus strand), SCN4A (sodium voltage-gated channel alpha subunit 4; minus strand). Cytogenetic location: 17q23.3.
Variant type: single nucleotide variant.
Coding change: c.2662A>C on transcript NM_000334.4 (MANE Select); coding-DNA position 2662, A replaced by C.
Protein change: p.Lys888Gln; replaces lysine 888 with glutamine.
Molecular consequence: missense variant.
Genome position (GRCh38, 1-based): chr17:63,951,615, T>G on the plus strand (A>C on the coding strand, the complement: SCN4A is on the minus strand). VCF-style: chr17-63951615-T-G. GRCh37 (hg19) VCF-style: chr17-62028975-T-G.
Other names: short protein forms K888Q.
Identifiers: ClinVar variation 477407 (VCV000477407.20), dbSNP rs202155883, ClinGen allele CA8709531.